The following is an entry in ClinVar:

ClinVar aggregate classification (germline): Uncertain significance (1 of 4 stars; one submission).

Conditions:
Inborn genetic diseases. Identifiers: MedGen C0950123, MeSH D030342.

Submission:

Ambry Genetics
Classification: Uncertain significance for Inborn genetic diseases. Last evaluated: 2025-01-29. Review status: criteria provided, single submitter. Criteria: Ambry Variant Classification Scheme 2023. Collection method: clinical testing. Allele origin: germline.
Comment: The p.R591L variant (also known as c.1772G>T), located in coding exon 19 of the FANCA gene, results from a G to T substitution at nucleotide position 1772. The arginine at codon 591 is replaced by leucine, an amino acid with dissimilar properties. This amino acid position is conserved. In addition, this alteration is predicted to be deleterious by in silico analysis. Based on the available evidence, the clinical significance of this variant remains unclear.

NM_000135.4(FANCA):c.1772G>T (p.Arg591Leu)

Gene: FANCA (FA complementation group A; minus strand). Cytogenetic location: 16q24.3.
Variant type: single nucleotide variant.
Coding change: c.1772G>T on transcript NM_000135.4 (MANE Select); coding-DNA position 1772, G replaced by T.
Protein change: p.Arg591Leu; replaces arginine 591 with leucine.
Molecular consequence: missense variant.
Genome position (GRCh38, 1-based): chr16:89,778,947, C>A on the plus strand (G>T on the coding strand, the complement: FANCA is on the minus strand). VCF-style: chr16-89778947-C-A. GRCh37 (hg19) VCF-style: chr16-89845355-C-A.
Other names: c.1772G>T, p.Arg591Leu (NM_001286167.3); short protein forms R591L.
Identifiers: ClinVar variation 3848158 (VCV003848158.1).